The following is an entry in ClinVar:

NM_001379403.1(WDR26):c.54G>A (p.Ser18=)

Gene: WDR26 (WD repeat domain 26; minus strand). Cytogenetic location: 1q42.12.
Variant type: single nucleotide variant.
Coding change: c.54G>A on transcript NM_001379403.1 (MANE Select); coding-DNA position 54, G replaced by A.
Protein change: p.Ser18=; no amino-acid change (serine 18 retained).
Molecular consequence: synonymous variant. On other transcripts: 5 prime UTR variant (2).
Genome position (GRCh38, 1-based): chr1:224,434,352, C>T on the plus strand (G>A on the coding strand, the complement: WDR26 is on the minus strand). VCF-style: chr1-224434352-C-T. GRCh37 (hg19) VCF-style: chr1-224622054-C-T.
Other names: c.-247G>A (NM_001115113.3, NM_025160.7).
Identifiers: ClinVar variation 2639937 (VCV002639937.24), dbSNP rs2464800633, ClinGen allele CA2574007014.

ClinVar aggregate classification (germline): Likely benign (1 of 4 stars; one submission).

Submission:

CeGaT Center for Human Genetics Tuebingen
Classification: Likely benign. Last evaluated: 2023-02-01. Review status: criteria provided, single submitter. Criteria: CeGaT Center For Human Genetics Tuebingen Variant Classification Criteria Version 2. Collection method: clinical testing. Allele origin: germline. Affected: yes. Observed: 1 variant allele.
Comment: WDR26: PM2:Supporting, BP4, BP7